The following is an entry in ClinVar:

NM_007144.3(PCGF2):c.873del (p.Pro292fs)

Genes: CISD3 (CDGSH iron sulfur domain 3; plus strand), PCGF2 (polycomb group ring finger 2; minus strand). Cytogenetic location: 17q12.
Variant type: Deletion.
Coding change: c.873del on transcript NM_007144.3 (MANE Select); coding-DNA position 873, one base deleted (G; older notation c.873delG).
Protein change: p.Pro292fs; shifts the reading frame from proline 292.
Molecular consequence: frameshift variant. On other transcripts: 3 prime UTR variant (1).
Genome position (GRCh38, 1-based): chr17:38,735,385, C deleted on the plus strand (G on the coding strand, the reverse complement: PCGF2 is on the minus strand); the first of 3 consecutive C bases (chr17:38,735,385-38,735,387); deleting any one gives the same sequence. VCF-style (leftmost placement, unchanged base first): chr17-38735384-GC-G. GRCh37 (hg19) VCF-style: chr17-36891637-GC-G.
Other names: c.*1932del (NM_001136498.2); c.873del, p.Pro292fs (NM_001369614.1, NM_001369615.1); short protein forms P292fs.
Identifiers: ClinVar variation 4776534 (VCV004776534.1).

ClinVar aggregate classification (germline): Uncertain significance (1 of 4 stars; one submission).

Submission:

Labcorp Genetics (formerly Invitae), Labcorp
Classification: Uncertain significance. Last evaluated: 2025-04-23. Review status: criteria provided, single submitter. Criteria: Invitae Variant Classification Sherloc (09022015). Collection method: clinical testing. Allele origin: germline.
Comment: This sequence change creates a premature translational stop signal (p.Pro292Leufs*27) in the PCGF2 gene. While this is not anticipated to result in nonsense mediated decay, it is expected to disrupt the last 53 amino acid(s) of the PCGF2 protein. This variant is not present in population databases (gnomAD no frequency). This variant has not been reported in the literature in individuals affected with PCGF2-related conditions. In summary, the available evidence is currently insufficient to determine the role of this variant in disease. Therefore, it has been classified as a Variant of Uncertain Significance.